The following is an entry in ClinVar:

ClinVar aggregate classification (germline): Uncertain significance (1 of 4 stars; one submission).

Conditions:
Ellis-van Creveld syndrome (EVC). Also called: MESOECTODERMAL DYSPLASIA; EVC-Related Ellis-van Creveld Syndrome; EVC2-Related Ellis-van Creveld Syndrome; Chondroectodermal dysplasia. Identifiers: Orphanet 289, MedGen C0013903, MONDO:0009162, OMIM 225500.
Curry-Hall syndrome (WAD). Also called: WEYERS ACRODENTAL DYSOSTOSIS. Identifiers: Orphanet 952, MedGen C0457013, MONDO:0008673, OMIM 193530.

gnomAD v4.1: 2 of 1,614,158 alleles (0.00012%); highest among the groups gnomAD compares: Non-Finnish European, 0.00017%; no homozygotes.

Submission:

Labcorp Genetics (formerly Invitae), Labcorp
Classification: Uncertain significance for Curry-Hall syndrome; Ellis-van Creveld syndrome. Last evaluated: 2025-05-12. Review status: criteria provided, single submitter. Criteria: Invitae Variant Classification Sherloc (09022015). Collection method: clinical testing. Allele origin: germline.
Comment: This sequence change replaces lysine, which is basic and polar, with arginine, which is basic and polar, at codon 433 of the EVC2 protein (p.Lys433Arg). This variant is not present in population databases (gnomAD no frequency). This variant has not been reported in the literature in individuals affected with EVC2-related conditions. ClinVar contains an entry for this variant (Variation ID: 2040819). An algorithm developed to predict the effect of missense changes on protein structure and function (PolyPhen-2) suggests that this variant is likely to be tolerated. In summary, the available evidence is currently insufficient to determine the role of this variant in disease. Therefore, it has been classified as a Variant of Uncertain Significance.

NM_147127.5(EVC2):c.1298A>G (p.Lys433Arg)

Genes: EVC2 (EvC ciliary complex subunit 2; minus strand), LOC126806961 (BRD4-independent group 4 enhancer GRCh37_chr4:5641443-5642642; plus strand). Cytogenetic location: 4p16.2.
Variant type: single nucleotide variant.
Coding change: c.1298A>G on transcript NM_147127.5 (MANE Select); coding-DNA position 1298, A replaced by G.
Protein change: p.Lys433Arg; replaces lysine 433 with arginine.
Molecular consequence: missense variant.
Genome position (GRCh38, 1-based): chr4:5,640,686, T>C on the plus strand (A>G on the coding strand, the complement: EVC2 is on the minus strand). VCF-style: chr4-5640686-T-C. GRCh37 (hg19) VCF-style: chr4-5642413-T-C.
Other names: c.1058A>G, p.Lys353Arg (NM_001166136.2); short protein forms K353R, K433R.
Identifiers: ClinVar variation 2040819 (VCV002040819.4), dbSNP rs2475438298, ClinGen allele CA356151820.